The following is an entry in ClinVar:

NM_001010892.3(RSPH4A):c.694C>A (p.His232Asn)

Gene: RSPH4A (radial spoke head component 4A; plus strand). Cytogenetic location: 6q22.1.
Variant type: single nucleotide variant.
Coding change: c.694C>A on transcript NM_001010892.3 (MANE Select); coding-DNA position 694, C replaced by A.
Protein change: p.His232Asn; replaces histidine 232 with asparagine.
Molecular consequence: missense variant.
Genome position (GRCh38, 1-based): chr6:116,622,775, C>A. VCF-style: chr6-116622775-C-A. GRCh37 (hg19) VCF-style: chr6-116943938-C-A.
Other names: c.694C>A, p.His232Asn (NM_001161664.2); short protein forms H232N.
Identifiers: ClinVar variation 2626072 (VCV002626072.2), dbSNP rs373136924, ClinGen allele CA145925448.

ClinVar aggregate classification (germline): Uncertain significance (1 of 4 stars; one submission).

Conditions:
Primary ciliary dyskinesia. Also called: Ciliary dyskinesia. Identifiers: Orphanet 244, MedGen C0008780, MONDO:0016575, HP:0012265.

Allele frequency attached by ClinVar (database versions not stated): gnomAD exomes below 0.00001; gnomAD 0.00001; TOPMed 0.00001; ESP Exome Variant Server 0.00008.
gnomAD v4.1: 6 of 1,585,060 alleles (0.00038%); highest among the groups gnomAD compares: Non-Finnish European, 0.00052%; no homozygotes.

Submission:

Ambry Genetics
Classification: Uncertain significance for Primary ciliary dyskinesia. Last evaluated: 2023-10-04. Review status: criteria provided, single submitter. Criteria: Ambry Variant Classification Scheme 2023. Collection method: clinical testing. Allele origin: germline.
Comment: The p.H232N variant (also known as c.694C>A), located in coding exon 2 of the RSPH4A gene, results from a C to A substitution at nucleotide position 694. The histidine at codon 232 is replaced by asparagine, an amino acid with similar properties. This amino acid position is conserved. In addition, the in silico prediction for this alteration is inconclusive. Since supporting evidence is limited at this time, the clinical significance of this alteration remains unclear.